The following is an entry in ClinVar:

ClinVar aggregate classification (germline): Likely pathogenic (1 of 4 stars; one submission).

Conditions:
Phelan-McDermid syndrome. Also called: TELOMERIC 22q13 MONOSOMY SYNDROME; 22q13.3 deletion syndrome; Phelan-McDermid Syndrome-SHANK3 Related. Identifiers: Orphanet 48652, MedGen C1853490, MONDO:0011652, OMIM 606232.

Submission:

MGZ Medical Genetics Center
Classification: Likely pathogenic for Phelan-McDermid syndrome. Last evaluated: 2022-05-11. Review status: criteria provided, single submitter. Criteria: ACMG Guidelines, 2015. Collection method: clinical testing. Allele origin: germline. Affected: yes. Observed: 1 variant allele.
Comment: ACMG criteria applied: PVS1, PM2_SUP

NM_001372044.2(SHANK3):c.2970del (p.Glu991fs)

Gene: SHANK3 (SH3 and multiple ankyrin repeat domains 3; plus strand). Cytogenetic location: 22q13.33.
Variant type: Deletion.
Coding change: c.2970del on transcript NM_001372044.2 (MANE Select); coding-DNA position 2970, one base deleted (C; older notation c.2970delC).
Protein change: p.Glu991fs; shifts the reading frame from glutamic acid 991.
Molecular consequence: frameshift variant.
Genome position (GRCh38, 1-based): chr22:50,720,578, C deleted; the last of 3 consecutive C bases (chr22:50,720,576-50,720,578); deleting any one gives the same sequence. VCF-style (leftmost placement, unchanged base first): chr22-50720575-GC-G. GRCh37 (hg19) VCF-style: chr22-51159003-GC-G.
Other names: c.2745delC, p.Glu916Serfs (NM_033517.1); short protein forms E991fs.
Identifiers: ClinVar variation 1709431 (VCV001709431.2), dbSNP rs2518425642, ClinGen allele CA2580099945.